The following is an entry in ClinVar:

ClinVar aggregate classification (germline): Pathogenic/Likely pathogenic. Review status: criteria provided, multiple submitters, no conflicts (2 of 4 stars). 3 submissions from 3 submitters: Pathogenic (1); Likely pathogenic (1). 1 of the submissions does not count toward it. Last evaluated 2025-02-05.

Conditions:
APTX-related disorder. Also called: APTX-related condition.
Ataxia, early-onset, with oculomotor apraxia and hypoalbuminemia (EAOH). Also called: ATAXIA-OCULOMOTOR APRAXIA SYNDROME; ATAXIA-TELANGIECTASIA-LIKE SYNDROME; Ataxia-oculomotor apraxia type 1. Identifiers: Orphanet 1168, MedGen C1859598, MONDO:0008842, OMIM 208920.

Allele frequency attached by ClinVar (database versions not stated): TOPMed below 0.00001; gnomAD 0.00001; ExAC 0.00002; gnomAD exomes 0.00003.
gnomAD v4.1: 16 of 1,614,054 alleles (0.00099%); highest among the groups gnomAD compares: Middle Eastern, 0.016%; no homozygotes.

Submissions (3):

PreventionGenetics, part of Exact Sciences
Classification: Likely pathogenic for APTX-related condition. Last evaluated: 2025-02-05. Review status: criteria provided, single submitter. Criteria: ACMG Guidelines, 2015. Collection method: clinical testing. Allele origin: germline.
Comment: The APTX c.617C>T variant is predicted to result in the amino acid substitution p.Pro206Leu. This variant, also referred to as c.95C>T in its short transcript isoform, has been reported in the homozygous or compound heterozygous state in individuals with ataxia-ocular apraxia 1 (AOA1; Moreira et al. 2001. PubMed ID: 11586300; da Graça et al. 2021. PubMed ID: 33956305; Date et al. 2001. PubMed ID: 11586299). This variant occurs within the highly conserved HIT domain, and in vivo functional analysis determined the p.Pro206Leu substitution results in a catalytically inactive protein (Seidle et al. 2005. PubMed ID: 15790557). This variant is reported in 0.011% of alleles in individuals of East Asian descent in gnomAD. This variant is interpreted as likely pathogenic.

Blueprint Genetics
Classification: Pathogenic for APTX-related disorders. Last evaluated: 2024-02-13. Review status: criteria provided, single submitter. Criteria: ACMG Guidelines, 2015. Collection method: clinical testing. Allele origin: germline. Affected: yes. Observed: 5 variant alleles.

OMIM
Classification: Pathogenic for ATAXIA, EARLY-ONSET, WITH OCULOMOTOR APRAXIA AND HYPOALBUMINEMIA. Last evaluated: 2001-10-01. Review status: no assertion criteria provided. Collection method: literature only. Allele origin: germline. Not counted in ClinVar's aggregate classification.

Literature cited by the submitters: PubMed 11586299 (cited by OMIM); PubMed 11586300 (cited by OMIM).

NM_001195248.2(APTX):c.617C>T (p.Pro206Leu)

Gene: APTX (aprataxin; minus strand). Cytogenetic location: 9p21.1.
Variant type: single nucleotide variant.
Coding change: c.617C>T on transcript NM_001195248.2 (MANE Select); coding-DNA position 617, C replaced by T.
Protein change: p.Pro206Leu; replaces proline 206 with leucine.
Molecular consequence: missense variant. On other transcripts: non-coding transcript variant (9).
Genome position (GRCh38, 1-based): chr9:32,984,784, G>A on the plus strand (C>T on the coding strand, the complement: APTX is on the minus strand). VCF-style: chr9-32984784-G-A. GRCh37 (hg19) VCF-style: chr9-32984782-G-A.
Other names: P32L; c.617C>T, p.Pro206Leu (NM_001195249.2, NM_175069.3, NM_175073.3 and 6 more transcripts); c.455C>T, p.Pro152Leu (NM_001369001.1, NM_001195250.2, NM_001195254.2 and 1 more transcripts); c.353C>T, p.Pro118Leu (NM_001369002.1, NM_001369003.1, NM_001369004.1 and 5 more transcripts); c.401C>T, p.Pro134Leu (NM_001195252.2); c.617C>T (NM_175073.2); short protein forms P206L, P152L, P118L, P134L.
Identifiers: ClinVar variation 4426 (VCV000004426.3), dbSNP rs121908131, ClinGen allele CA253142.